The following is an entry in ClinVar:

ClinVar aggregate classification (germline): Pathogenic (0 of 4 stars; one submission).

Conditions:
Familial hypercholesterolemia. Also called: Familial hypercholesterolaemia. Identifiers: MedGen C0020445, MONDO:0005439.

Submission:

Research Laboratories, P. D. Hinduja Hospital & MRC
Classification: Pathogenic for Familial hypercholesterolemia. Last evaluated: 2022-12-16. Review status: no assertion criteria provided. Collection method: case-control. Allele origin: germline. Affected: yes. Observed: 1 variant allele, 1 heterozygote.
Comment: This variant was identified as part of the ICMR-funded project (Ref No. 2020-3881). A missense variant in PIP5K1B (NM_001278253.2), exon 2: c.346G>A, resulting in a glycine-to-arginine substitution at codon 116 (p.G116R). To our knowledge, functional studies specific to this variant have not been reported. This variant has not been described in individuals with Familial Hypercholesterolemia (FH) in the literature; however, the PIP5K1B gene is associated with lipid metabolism according to the LIPID MAPS Proteome Database (LMPD). Computational predictions using MutationTaster and PolyPhen-2 suggest that this variant is likely deleterious and possibly damaging to protein function (GRCh38).

NM_003558.4(PIP5K1B):c.346G>A (p.Glu116Lys)

Gene: PIP5K1B (phosphatidylinositol-4-phosphate 5-kinase type 1 beta; plus strand). Cytogenetic location: 9q21.11.
Variant type: single nucleotide variant.
Coding change: c.346G>A on transcript NM_003558.4 (MANE Select); coding-DNA position 346, G replaced by A.
Protein change: p.Glu116Lys; replaces glutamic acid 116 with lysine.
Molecular consequence: missense variant.
Genome position (GRCh38, 1-based): chr9:68,889,008, G>A. VCF-style: chr9-68889008-G-A. GRCh37 (hg19) VCF-style: chr9-71503924-G-A.
Other names: c.346G>A, p.Glu116Lys (NM_001278253.2, NM_001376036.1, NM_001376037.1 and 3 more transcripts); short protein forms E116K.
Identifiers: ClinVar variation 4082116 (VCV004082116.1).